The following is an entry in ClinVar:

ClinVar aggregate classification (germline): Likely benign. Review status: criteria provided, multiple submitters, no conflicts (2 of 4 stars). 3 submissions from 3 submitters: Likely benign (2). 1 of the submissions does not count toward it. Last evaluated 2025-01-13.

Conditions:
EP300-related disorder. Also called: EP300-related condition; EP300-related disorders.
Inborn genetic diseases. Identifiers: MedGen C0950123, MeSH D030342.
Rubinstein-Taybi syndrome due to EP300 haploinsufficiency. Also called: EP300-Related Rubinstein-Taybi Syndrome; RUBINSTEIN-TAYBI SYNDROME 2. Identifiers: Orphanet 353284, Orphanet 783, MedGen C3150941, MONDO:0013364, OMIM 613684.

Allele frequency attached by ClinVar (database versions not stated): gnomAD exomes 0.00001 and 0.00002; ExAC 0.00002; ESP Exome Variant Server 0.00008; gnomAD 0.00011 and 0.00012; TOPMed 0.00017.
gnomAD v4.1: 33 of 1,614,004 alleles (0.002%); highest among the groups gnomAD compares: African/African-American, 0.035%; no homozygotes.

Submissions (3):

Labcorp Genetics (formerly Invitae), Labcorp
Classification: Likely benign for Rubinstein-Taybi syndrome due to EP300 haploinsufficiency. Last evaluated: 2025-01-13. Review status: criteria provided, single submitter. Criteria: Invitae Variant Classification Sherloc (09022015). Collection method: clinical testing. Allele origin: germline.

Ambry Genetics
Classification: Likely benign for Inborn genetic diseases. Last evaluated: 2021-11-12. Review status: criteria provided, single submitter. Criteria: Ambry Variant Classification Scheme 2023. Collection method: clinical testing. Allele origin: germline.

PreventionGenetics, part of Exact Sciences
Classification: Uncertain significance for EP300-related condition. Last evaluated: 2024-05-24. Review status: no assertion criteria provided. Collection method: clinical testing. Allele origin: germline. Not counted in ClinVar's aggregate classification.
Comment: The EP300 c.448T>C variant is predicted to result in the amino acid substitution p.Ser150Pro. To our knowledge, this variant has not been reported in the literature. This variant is reported in 0.040% of alleles in individuals of African descent in gnomAD. At this time, the clinical significance of this variant is uncertain due to the absence of conclusive functional and genetic evidence.

NM_001429.4(EP300):c.448T>C (p.Ser150Pro)

Gene: EP300 (EP300 lysine acetyltransferase; plus strand). Cytogenetic location: 22q13.2.
Variant type: single nucleotide variant.
Coding change: c.448T>C on transcript NM_001429.4 (MANE Select); coding-DNA position 448, T replaced by C.
Protein change: p.Ser150Pro; replaces serine 150 with proline.
Molecular consequence: missense variant.
Genome position (GRCh38, 1-based): chr22:41,117,540, T>C. VCF-style: chr22-41117540-T-C. GRCh37 (hg19) VCF-style: chr22-41513544-T-C.
Other names: c.448T>C, p.Ser150Pro (NM_001362843.2); c.448T>C (NM_001429.3); short protein forms S150P.
Identifiers: ClinVar variation 1591621 (VCV001591621.12), dbSNP rs138241570, ClinGen allele CA10252251.
Genomic context (GRCh38, chr22:41,117,540, plus strand): 5'-GGCTTGACTTCTCCCAACATGGGGATGGGCACTAGTGGACCAAATCAGGGTCCTACGCAG[T>C]CAACAGGTATGATGAACAGTCCAGTAAATCAGCCTGCCATGGGAATGAACACAGGGATGA-3'
Protein context (NP_001420.2, residues 140-160): TSGPNQGPTQ[Ser150Pro]TGMMNSPVNQ